The following is an entry in ClinVar:

ClinVar aggregate classification (germline): Uncertain significance. Review status: criteria provided, multiple submitters, no conflicts (2 of 4 stars). 6 submissions from 6 submitters: Uncertain significance (5). 1 of the submissions does not count toward it. Last evaluated 2026-10-01.

Conditions:
SRP72-related disorder. Also called: SRP72-related condition.
Autosomal dominant aplasia and myelodysplasia. Also called: Bone marrow failure syndrome 1. Identifiers: Orphanet 314399, MedGen C3808553, MONDO:0013851, OMIM 614675.

Allele frequency attached by ClinVar (database versions not stated): ExAC 0.00004; gnomAD exomes 0.00004; ESP Exome Variant Server 0.00008; TOPMed 0.00016; gnomAD 0.00019; 1000 Genomes Project 30x 0.00031; 1000 Genomes Project 0.00040.
gnomAD v4.1: 53 of 1,599,132 alleles (0.0033%); highest among the groups gnomAD compares: African/African-American, 0.06%; no homozygotes.

Submissions (6):

St. Jude Molecular Pathology, St. Jude Children's Research Hospital
Classification: Uncertain significance for Autosomal dominant aplasia and myelodysplasia. Last evaluated: 2026-10-01. Review status: criteria provided, single submitter. Criteria: St. Jude Assertion Criteria 2020. Collection method: clinical testing. Allele origin: germline.
Comment: The SRP72 c.1294G>A p.(Ala432Thr) missense change has a maximum subpopulation frequency of 0.06% in gnomAD v2.1.1. The in silico tool REVEL is inconclusive about a patho genic or benign effect of this variant on protein function, and to our knowledge functional studies have not been performed. To our knowledge, this variant has not been reported in individuals with SRP72-related conditions. In summary, the evidence curre ntly available is insufficient to determine the clinical significance of this variant. It has therefore been classified as of uncertain significance.

Labcorp Genetics (formerly Invitae), Labcorp
Classification: Uncertain significance. Last evaluated: 2026-02-04. Review status: criteria provided, single submitter. Criteria: Invitae Variant Classification Sherloc (09022015). Collection method: clinical testing. Allele origin: germline.
Comment: This sequence change replaces alanine, which is neutral and non-polar, with threonine, which is neutral and polar, at codon 432 of the SRP72 protein (p.Ala432Thr). This variant is present in population databases (rs201102960, gnomAD 0.06%), and has an allele count higher than expected for a pathogenic variant. This variant has not been reported in the literature in individuals affected with SRP72-related conditions. ClinVar contains an entry for this variant (Variation ID: 1337445). Invitae Evidence Modeling of protein sequence and biophysical properties (such as structural, functional, and spatial information, amino acid conservation, physicochemical variation, residue mobility, and thermodynamic stability) indicates that this missense variant is not expected to disrupt SRP72 protein function with a negative predictive value of 80%. In summary, the available evidence is currently insufficient to determine the role of this variant in disease. Therefore, it has been classified as a Variant of Uncertain Significance.

GeneDx
Classification: Uncertain significance. Last evaluated: 2025-01-31. Review status: criteria provided, single submitter. Criteria: GeneDx Variant Classification Process June 2021. Collection method: clinical testing. Allele origin: germline.
Comment: In silico analysis supports that this missense variant has a deleterious effect on protein structure/function; Has not been previously published as pathogenic or benign to our knowledge

Ambry Genetics
Classification: Uncertain significance. Last evaluated: 2024-11-20. Review status: criteria provided, single submitter. Criteria: Ambry Variant Classification Scheme 2023. Collection method: clinical testing. Allele origin: germline.
Comment: The p.A432T variant (also known as c.1294G>A), located in coding exon 13 of the SRP72 gene, results from a G to A substitution at nucleotide position 1294. The alanine at codon 432 is replaced by threonine, an amino acid with similar properties. This amino acid position is conserved. In addition, the in silico prediction for this alteration is inconclusive. Based on the available evidence, the clinical significance of this variant remains unclear.

Genetic Services Laboratory, University of Chicago
Classification: Uncertain significance. Last evaluated: 2019-11-11. Review status: criteria provided, single submitter. Criteria: ACMG Guidelines, 2015. Collection method: clinical testing. Allele origin: germline. Affected: no.

PreventionGenetics, part of Exact Sciences
Classification: Likely benign for SRP72-related condition. Last evaluated: 2022-03-30. Review status: no assertion criteria provided. Collection method: clinical testing. Allele origin: germline. Not counted in ClinVar's aggregate classification.
Comment: This variant is classified as likely benign based on ACMG/AMP sequence variant interpretation guidelines (Richards et al. 2015 PMID: 25741868, with internal and published modifications).

NM_006947.4(SRP72):c.1294G>A (p.Ala432Thr)

Gene: SRP72 (signal recognition particle 72; plus strand). Cytogenetic location: 4q12.
Variant type: single nucleotide variant.
Coding change: c.1294G>A on transcript NM_006947.4 (MANE Select); coding-DNA position 1294, G replaced by A.
Protein change: p.Ala432Thr; replaces alanine 432 with threonine.
Molecular consequence: missense variant. On other transcripts: non-coding transcript variant (1).
Genome position (GRCh38, 1-based): chr4:56,489,457, G>A. VCF-style: chr4-56489457-G-A. GRCh37 (hg19) VCF-style: chr4-57355623-G-A.
Other names: c.1111G>A, p.Ala371Thr (NM_001267722.2); short protein forms A371T, A432T.
Identifiers: ClinVar variation 1337445 (VCV001337445.15), dbSNP rs201102960, ClinGen allele CA2931321.